The following is an entry in ClinVar:

NM_005618.4(DLL1):c.2039C>A (p.Thr680Lys)

Genes: DLL1 (delta like canonical Notch ligand 1; minus strand), LOC126859913 (P300/CBP strongly-dependent group 1 enhancer GRCh37_chr6:170591232-170592431; plus strand). Cytogenetic location: 6q27.
Variant type: single nucleotide variant.
Coding change: c.2039C>A on transcript NM_005618.4 (MANE Select); coding-DNA position 2039, C replaced by A.
Protein change: p.Thr680Lys; replaces threonine 680 with lysine.
Molecular consequence: missense variant.
Genome position (GRCh38, 1-based): chr6:170,283,240, G>T on the plus strand (C>A on the coding strand, the complement: DLL1 is on the minus strand). VCF-style: chr6-170283240-G-T. GRCh37 (hg19) VCF-style: chr6-170592328-G-T.
Other names: c.2039C>A (NM_005618.3); short protein forms T680K.
Identifiers: ClinVar variation 2871737 (VCV002871737.6), dbSNP rs777390039, ClinGen allele CA366506023.

ClinVar aggregate classification (germline): Uncertain significance. Review status: criteria provided, multiple submitters, no conflicts (2 of 4 stars). 4 submissions from 4 submitters: Uncertain significance (4). Last evaluated 2026-08-06.

Conditions:
Neurodevelopmental disorder with nonspecific brain abnormalities and with or without seizures. Identifiers: MedGen C5231470, MONDO:0032877, OMIM 618709.

Submissions (4):

OLLIN Analises Genomicas, OLLIN
Classification: Uncertain significance for Neurodevelopmental disorder with nonspecific brain abnormalities and with or without seizures. Last evaluated: 2026-08-06. Review status: criteria provided, single submitter. Criteria: ACMG Guidelines 2015 PMID 25741868. Collection method: clinical testing. Allele origin: germline. Inheritance: Autosomal dominant inheritance.
Comment: This missense variant, located in exon 9 (of 11), is absent from gnomAD and has not been identified in the literature. However, it has been reported in ClinVar (accession VCV002871737.3). In silico analysis predicts that this variant has a tolerated effect. According to the currently available evidence, this variant has been classified as uncertain significance (PM2_P, BP4).

GeneDx
Classification: Uncertain significance. Last evaluated: 2026-02-25. Review status: criteria provided, single submitter. Criteria: GeneDx Variant Classification Process June 2021. Collection method: clinical testing. Allele origin: germline.
Comment: Not observed at significant frequency in large population cohorts (gnomAD); In silico analysis suggests that this missense variant does not alter protein structure/function; Has not been previously published as pathogenic or benign to our knowledge

Dasa
Classification: Uncertain significance. Last evaluated: 2024-10-28. Review status: criteria provided, single submitter. Criteria: DASA Assertion Criteria. Collection method: clinical testing. Allele origin: germline.
Comment: NM_005618.4(DLL1):c.2039C>A (p.Thr680Lys) is a missense variant that results in the substitution of threonine with lysine. This variant is absent from population databases. Computational prediction algorithms are consistent with a benign effect. The currently available literature and clinical evidence are not sufficient to establish a definitive association between this variant and the reported condition. Therefore, this variant is classified as a variant of uncertain significance.

Labcorp Genetics (formerly Invitae), Labcorp
Classification: Uncertain significance. Last evaluated: 2024-05-01. Review status: criteria provided, single submitter. Criteria: Invitae Variant Classification Sherloc (09022015). Collection method: clinical testing. Allele origin: germline.
Comment: This sequence change replaces threonine, which is neutral and polar, with lysine, which is basic and polar, at codon 680 of the DLL1 protein (p.Thr680Lys). This variant is not present in population databases (gnomAD no frequency). This variant has not been reported in the literature in individuals affected with DLL1-related conditions. An algorithm developed to predict the effect of missense changes on protein structure and function (PolyPhen-2) suggests that this variant is likely to be tolerated. In summary, the available evidence is currently insufficient to determine the role of this variant in disease. Therefore, it has been classified as a Variant of Uncertain Significance.